The following continues an entry in ClinVar:

NM_005912.3(MC4R):c.380C>T (p.Ser127Leu)

Gene: MC4R. ClinVar aggregate classification (germline): Conflicting classifications of pathogenicity. Pathogenic (2); Likely pathogenic (9); Uncertain significance (3).

Submissions 12 to 15 of 15:

Athena Diagnostics
Classification: Pathogenic. Last evaluated: 2018-08-29. Review status: criteria provided, single submitter. Criteria: Athena Diagnostics Criteria. Collection method: clinical testing. Allele origin: germline.
Comment: The best available variant frequency is higher than the disease allele frequency. Statistically enriched in patients compared to ethnically matched controls. Found in at least one symptomatic patient. Predicted to have a damaging effect on the protein. Damaging to protein function(s) relevant to disease mechanism.

Human Genome Sequencing Center Clinical Lab, Baylor College of Medicine
Classification: Likely pathogenic for Inherited obesity. Last evaluated: 2017-05-25. Review status: criteria provided, single submitter. Criteria: ACMG Guidelines, 2015. Collection method: clinical testing. Allele origin: germline.
Comment: This c.380C>T (p.Ser127Leu) variant in the MC4R gene has previously been reported in multiple patients presenting with obesity [PMID 12499395, 24385306, 18559663, 14764818, 26047380]. The variant was also detected in one lean individual, the mother of the obese proband, indicating possible incomplete penetrance [PMID 26047380]. Functional assays showed that the receptor displayed high constitutive activity [PMID 19298524, 12970296]. However, cell surface expression level of the p.Ser127Leu mutant was decreased by about half of wild type [PMID 19298524, 24385306]. Thus, the mechanism of pathogenicity for this variant in unclear at this time. Serine at amino acid position 127 of the MC4R protein is highly conserved in mammals. This variant has been observed in 20 heterozygous individuals from the ExAC database. While not validated for clinical use, the computer-based algorithms SIFT and Polyphen2 predict this p.Ser127Leu change to be deleterious. It is thus interpreted as a likely pathogenic variant.

Eurofins Ntd Llc (ga)
Classification: Uncertain significance. Last evaluated: 2017-03-03. Review status: criteria provided, single submitter. Criteria: EGL Classification Definitions 2015. Collection method: clinical testing. Allele origin: germline. Observed: 1 variant allele, 1 heterozygote.

OMIM
Classification: Pathogenic for OBESITY (BMIQ20). Last evaluated: 2004-02-01. Review status: no assertion criteria provided. Collection method: literature only. Allele origin: germline. Not counted in ClinVar's aggregate classification.

Literature cited by the submitters: PubMed 19298524 (cited by 4 submitters); PubMed 14764818 (cited by 6 submitters); PubMed 12499395 (cited by 6 submitters); PubMed 12970296 (cited by 6 submitters); PubMed 24385306 (cited by 5 submitters); PubMed 18559663 (cited by 4 submitters); PubMed 24611737 (cited by 4 submitters); PubMed 26238496 (cited by 3 submitters); PubMed 30926952 (cited by Labcorp Genetics (formerly Invitae), Labcorp); PubMed 22447289 (cited by 3 submitters); PubMed 17357083 (cited by 3 submitters); PubMed 19091795 (cited by 3 submitters); PubMed 20696697 (cited by Laboratory for Molecular Medicine, Mass General Brigham Personalized Medicine); PubMed 16752916 (cited by 3 submitters); PubMed 17579204 (cited by 3 submitters); PubMed 16083993 (cited by Laboratory for Molecular Medicine, Mass General Brigham Personalized Medicine); PubMed 23146882 (cited by Laboratory for Molecular Medicine, Mass General Brigham Personalized Medicine and Athena Diagnostics); PubMed 23791567 (cited by 3 submitters); PubMed 26047380 (cited by 3 submitters); PubMed 19284607 (cited by 3 submitters); PubMed 21404042 (cited by 3 submitters); PubMed 15126516 (cited by Athena Diagnostics); PubMed 16492696 (cited by Athena Diagnostics); PubMed 17668051 (cited by Athena Diagnostics); PubMed 15466016 (cited by Athena Diagnostics); PubMed 22688572 (cited by Athena Diagnostics); PubMed 16289450 (cited by Athena Diagnostics); PubMed 27222505 (cited by Athena Diagnostics); PubMed 19400288 (cited by Athena Diagnostics); PubMed 30048591 (cited by Athena Diagnostics); PubMed 19766264 (cited by Athena Diagnostics); PubMed 26244670 (cited by Athena Diagnostics); PubMed 21085626 (cited by Athena Diagnostics).